The following is an entry in ClinVar:

ClinVar aggregate classification (germline): Pathogenic (1 of 4 stars; one submission).

Submission:

Labcorp Genetics (formerly Invitae), Labcorp
Classification: Pathogenic. Last evaluated: 2020-11-01. Review status: criteria provided, single submitter. Criteria: Invitae Variant Classification Sherloc (09022015). Collection method: clinical testing. Allele origin: germline.
Comment: This sequence change creates a premature translational stop signal (p.Arg331Glnfs*11) in the GLE1 gene. It is expected to result in an absent or disrupted protein product. Loss-of-function variants in GLE1 are known to be pathogenic (PMID: 18204449, 24243016, 27684565). This variant is not present in population databases (ExAC no frequency). This variant has not been reported in the literature in individuals with GLE1-related conditions. For these reasons, this variant has been classified as Pathogenic.

Literature cited by the submitters: PubMed 18204449; PubMed 24243016; PubMed 27684565.

NM_001003722.2(GLE1):c.990dup (p.Arg331fs)

Gene: GLE1 (GLE1 RNA export mediator; plus strand). Cytogenetic location: 9q34.11.
Variant type: Duplication.
Coding change: c.990dup on transcript NM_001003722.2 (MANE Select); coding-DNA position 990, one base duplicated (C; older notation c.990dupC).
Protein change: p.Arg331fs; shifts the reading frame from arginine 331.
Molecular consequence: frameshift variant.
Genome position (GRCh38, 1-based): chr9:128,525,284, C duplicated; the last of 2 consecutive C bases (chr9:128,525,283-128,525,284); duplicating either gives the same sequence. VCF-style (leftmost placement, unchanged base first): chr9-128525282-A-AC. GRCh37 (hg19) VCF-style: chr9-131287561-A-AC.
Other names: c.990dup, p.Arg331fs (NM_001499.2); short protein forms R331fs.
Identifiers: ClinVar variation 1420797 (VCV001420797.6), dbSNP rs2132465337, ClinGen allele CA2573144023.